The following is an entry in ClinVar:

NM_001170700.3(DTHD1):c.2414A>G (p.Asn805Ser)

Gene: DTHD1 (death domain containing 1; plus strand). Cytogenetic location: 4p14.
Variant type: single nucleotide variant.
Coding change: c.2414A>G on transcript NM_001170700.3 (MANE Select); coding-DNA position 2414, A replaced by G.
Protein change: p.Asn805Ser; replaces asparagine 805 with serine.
Molecular consequence: missense variant. On other transcripts: non-coding transcript variant (2).
Genome position (GRCh38, 1-based): chr4:36,343,517, A>G. VCF-style: chr4-36343517-A-G. GRCh37 (hg19) VCF-style: chr4-36345139-A-G.
Other names: c.1544A>G, p.Asn515Ser (NM_001136536.5); c.1423A>G, p.Thr475Ala (NM_001378435.1); short protein forms T475A, N515S, N805S.
Identifiers: ClinVar variation 1040060 (VCV001040060.8), dbSNP rs781126662, ClinGen allele CA2885740.
Genomic context (GRCh38, chr4:36,343,517, plus strand): 5'-CCAGGAGAGGGTCCTAACCGTGAGTGTTCCTCCTGTGCCTGACAGAAGCCCTTTGGGATA[A>G]CTTGCTCCATTGGCTGGCTGAGGAGCTCTCAGAAGAAAATGCTGAGTCTCTTTCCTCAAC-3'
Protein context (NP_001164171.2, residues 795-815): SKDPVEALWD[Asn805Ser]LLHWLAEELS

ClinVar aggregate classification (germline): Uncertain significance (1 of 4 stars; one submission).

Allele frequency attached by ClinVar (database versions not stated): TOPMed 0.00002; ExAC 0.00005; gnomAD exomes 0.00001 and 0.00002.
gnomAD v4.1: 4 of 1,551,334 alleles (0.00026%); highest among the groups gnomAD compares: Admixed American, 0.0039%; no homozygotes.

Submission:

Labcorp Genetics (formerly Invitae), Labcorp
Classification: Uncertain significance. Last evaluated: 2025-04-26. Review status: criteria provided, single submitter. Criteria: Invitae Variant Classification Sherloc (09022015). Collection method: clinical testing. Allele origin: germline.
Comment: This sequence change replaces asparagine, which is neutral and polar, with serine, which is neutral and polar, at codon 515 of the DTHD1 protein (p.Asn515Ser). This variant is present in population databases (rs781126662, gnomAD 0.008%). This variant has not been reported in the literature in individuals affected with DTHD1-related conditions. ClinVar contains an entry for this variant (Variation ID: 1040060). An algorithm developed to predict the effect of missense changes on protein structure and function (PolyPhen-2) suggests that this variant is likely to be tolerated. Algorithms developed to predict the effect of sequence changes on RNA splicing suggest that this variant may disrupt the consensus splice site. In summary, the available evidence is currently insufficient to determine the role of this variant in disease. Therefore, it has been classified as a Variant of Uncertain Significance.